The following is an entry in ClinVar:

NM_000179.3(MSH6):c.237G>C (p.Ser79=)

Gene: MSH6 (mutS homolog 6; plus strand). Cytogenetic location: 2p16.3.
Variant type: single nucleotide variant.
Coding change: c.237G>C on transcript NM_000179.3 (MANE Select); coding-DNA position 237, G replaced by C.
Protein change: p.Ser79=; no amino-acid change (serine 79 retained).
Molecular consequence: synonymous variant. On other transcripts: 5 prime UTR variant (1).
Genome position (GRCh38, 1-based): chr2:47,783,470, G>C. VCF-style: chr2-47783470-G-C. GRCh37 (hg19) VCF-style: chr2-48010609-G-C.
Other names: c.237G>C, p.Ser79= (NM_001281492.2); c.-500G>C (NM_001281493.2).
Identifiers: ClinVar variation 479911 (VCV000479911.19), dbSNP rs1187291533, ClinGen allele CA426120863.

ClinVar aggregate classification (germline): Benign/Likely benign. Review status: criteria provided, multiple submitters, no conflicts (2 of 4 stars). 4 submissions from 4 submitters: Benign (1); Likely benign (3). Last evaluated 2025-08-29.

Conditions:
Hereditary nonpolyposis colorectal neoplasms. Identifiers: MedGen C0009405, MeSH D003123.
Hereditary cancer-predisposing syndrome. Also called: Hereditary Cancer Syndrome; Neoplastic Syndromes, Hereditary; Tumor predisposition; Hereditary neoplastic syndrome. Identifiers: Orphanet 140162, MedGen C0027672, MeSH D009386, MONDO:0015356.
Lynch syndrome 5 (LYNCH5). Also called: Colorectal cancer, hereditary nonpolyposis, type 5; Hereditary non-polyposis colorectal cancer, type 5. Identifiers: Orphanet 144, MedGen C1833477, MONDO:0013710, OMIM 614350. Disease mechanism: loss of function.

Allele frequency attached by ClinVar (database versions not stated): TOPMed below 0.00001; gnomAD 0.00001.
gnomAD v4.1: 5 of 1,446,648 alleles (0.00035%); highest among the groups gnomAD compares: East Asian, 0.0028%; no homozygotes.

Submissions (4):

Labcorp Genetics (formerly Invitae), Labcorp
Classification: Likely benign for Hereditary nonpolyposis colorectal neoplasms. Last evaluated: 2025-08-29. Review status: criteria provided, single submitter. Criteria: Invitae Variant Classification Sherloc (09022015). Collection method: clinical testing. Allele origin: germline.

Myriad Genetics, Inc.
Classification: Benign for Lynch syndrome 5. Last evaluated: 2024-12-17. Review status: criteria provided, single submitter. Criteria: Myriad Autosomal Dominant, Autosomal Recessive and X-Linked Classification Criteria (2023). Collection method: clinical testing. Allele origin: unknown.
Comment: This variant is considered benign. This variant is a silent/synonymous amino acid change and it is not expected to impact splicing.

Color Diagnostics, LLC DBA Color Health
Classification: Likely benign for Hereditary cancer-predisposing syndrome. Last evaluated: 2018-03-24. Review status: criteria provided, single submitter. Criteria: ACMG Guidelines, 2015. Collection method: clinical testing. Allele origin: germline.

Ambry Genetics
Classification: Likely benign for Hereditary cancer-predisposing syndrome. Last evaluated: 2016-06-29. Review status: criteria provided, single submitter. Criteria: Ambry Variant Classification Scheme 2023. Collection method: clinical testing. Allele origin: germline.